The following is an entry in ClinVar:

NM_001001790.3(TOMM5):c.39G>A (p.Pro13=)

Genes: TOMM5 (translocase of outer mitochondrial membrane 5; minus strand), LOC130001811 (ATAC-STARR-seq lymphoblastoid active region 28401; plus strand). Cytogenetic location: 9p13.2.
Variant type: single nucleotide variant.
Coding change: c.39G>A on transcript NM_001001790.3 (MANE Select); coding-DNA position 39, G replaced by A.
Protein change: p.Pro13=; no amino-acid change (proline 13 retained).
Molecular consequence: synonymous variant.
Genome position (GRCh38, 1-based): chr9:37,592,494, C>T on the plus strand (G>A on the coding strand, the complement: TOMM5 is on the minus strand). VCF-style: chr9-37592494-C-T. GRCh37 (hg19) VCF-style: chr9-37592491-C-T.
Other names: c.39G>A, p.Pro13= (NM_001134484.2, NM_001134485.2).
Identifiers: ClinVar variation 2659195 (VCV002659195.24), dbSNP rs150489805, ClinGen allele CA5061046.

ClinVar aggregate classification (germline): Likely benign (1 of 4 stars; one submission).

Allele frequency attached by ClinVar (database versions not stated): 1000 Genomes Project 30x 0.00031; 1000 Genomes Project 0.00040; ExAC 0.00044; TOPMed 0.00052; gnomAD 0.00056; gnomAD exomes 0.00097; ESP Exome Variant Server 0.00105.
gnomAD v4.1: 1,461 of 1,613,990 alleles (0.091%); highest among the groups gnomAD compares: Non-Finnish European, 0.12%; 1 homozygote.

Submission:

CeGaT Center for Human Genetics Tuebingen
Classification: Likely benign. Last evaluated: 2022-05-01. Review status: criteria provided, single submitter. Criteria: CeGaT Center For Human Genetics Tuebingen Variant Classification Criteria Version 2. Collection method: clinical testing. Allele origin: germline. Affected: yes. Observed: 1 variant allele.
Comment: TOMM5: BP4, BP7